The following is an entry in ClinVar:

ClinVar aggregate classification (germline): Uncertain significance. Review status: criteria provided, multiple submitters, no conflicts (2 of 4 stars). 2 submissions from 2 submitters: Uncertain significance (2). Last evaluated 2024-11-11.

Conditions:
Inborn genetic diseases. Identifiers: MedGen C0950123, MeSH D030342.

gnomAD v4.1: 22 of 1,612,880 alleles (0.0014%); highest among the groups gnomAD compares: Non-Finnish European, 0.0017%; no homozygotes.

Submissions (2):

Ambry Genetics
Classification: Uncertain significance for Inborn genetic diseases. Last evaluated: 2024-11-11. Review status: criteria provided, single submitter. Criteria: Ambry Variant Classification Scheme 2023. Collection method: clinical testing. Allele origin: germline.

Labcorp Genetics (formerly Invitae), Labcorp
Classification: Uncertain significance. Last evaluated: 2024-08-17. Review status: criteria provided, single submitter. Criteria: Invitae Variant Classification Sherloc (09022015). Collection method: clinical testing. Allele origin: germline.
Comment: This sequence change replaces serine, which is neutral and polar, with arginine, which is basic and polar, at codon 184 of the LTBP4 protein (p.Ser184Arg). This variant is present in population databases (no rsID available, gnomAD 0.007%). This variant has not been reported in the literature in individuals affected with LTBP4-related conditions. ClinVar contains an entry for this variant (Variation ID: 1440078). Experimental studies and prediction algorithms are not available or were not evaluated, and the functional significance of this variant is currently unknown. In summary, the available evidence is currently insufficient to determine the role of this variant in disease. Therefore, it has been classified as a Variant of Uncertain Significance.

NM_001042545.2(LTBP4):c.462C>G (p.Ser154Arg)

Gene: LTBP4 (latent transforming growth factor beta binding protein 4; plus strand). Cytogenetic location: 19q13.2.
Variant type: single nucleotide variant.
Coding change: c.462C>G on transcript NM_001042545.2 (MANE Select); coding-DNA position 462, C replaced by G.
Protein change: p.Ser154Arg; replaces serine 154 with arginine.
Molecular consequence: missense variant.
Genome position (GRCh38, 1-based): chr19:40,605,424, C>G. VCF-style: chr19-40605424-C-G. GRCh37 (hg19) VCF-style: chr19-41111330-C-G.
Other names: c.663C>G, p.Ser221Arg (NM_001042544.1); c.552C>G, p.Ser184Arg (NM_003573.2); short protein forms S154R, S184R, S221R.
Identifiers: ClinVar variation 1440078 (VCV001440078.5), dbSNP rs756943219, ClinGen allele CA405933107.